The following is an entry in ClinVar:

NM_015295.3(SMCHD1):c.2147-7C>T

Gene: SMCHD1 (structural maintenance of chromosomes flexible hinge domain containing 1; plus strand). Cytogenetic location: 18p11.32.
Variant type: single nucleotide variant.
Coding change: c.2147-7C>T on transcript NM_015295.3 (MANE Select); 7 bases into the intron before coding-DNA position 2147, C replaced by T.
Molecular consequence: intron variant.
Genome position (GRCh38, 1-based): chr18:2,707,800, C>T. VCF-style: chr18-2707800-C-T. GRCh37 (hg19) VCF-style: chr18-2707798-C-T.
Identifiers: ClinVar variation 260638 (VCV000260638.44), dbSNP rs113524119, ClinGen allele CA8870908.

ClinVar aggregate classification (germline): Benign/Likely benign. Review status: criteria provided, multiple submitters, no conflicts (2 of 4 stars). 6 submissions from 6 submitters: Benign (3); Likely benign (3). Last evaluated 2026-08-01.

Conditions:
SMCHD1-related disorder. Also called: SMCHD1-related condition.
Facioscapulohumeral muscular dystrophy 2 (FSHD2). Also called: FACIOSCAPULOHUMERAL MUSCULAR DYSTROPHY 2, DIGENIC; FSHD2, DIGENIC; MUSCULAR DYSTROPHY, FACIOSCAPULOHUMERAL, TYPE 1B. Identifiers: Orphanet 269, MedGen C1834671, MONDO:0008031, OMIM 158901.

Allele frequency attached by ClinVar (database versions not stated): 1000 Genomes Project 30x 0.00141; 1000 Genomes Project 0.00200; TOPMed 0.00289; ESP Exome Variant Server 0.00341; gnomAD 0.00457 and 0.00473; gnomAD exomes 0.00491; ExAC 0.00575.
gnomAD v4.1: 7,232 of 1,586,846 alleles (0.46%); highest among the groups gnomAD compares: Non-Finnish European, 0.47%; 36 homozygotes.

Submissions (6):

CeGaT Center for Human Genetics Tuebingen
Classification: Likely benign. Last evaluated: 2026-08-01. Review status: criteria provided, single submitter. Criteria: CeGaT Center For Human Genetics Tuebingen Variant Classification Criteria Version 2. Collection method: clinical testing. Allele origin: germline. Affected: yes. Observed: 12 variant alleles.
Comment: SMCHD1: BP4, BS2

Labcorp Genetics (formerly Invitae), Labcorp
Classification: Benign for Facioscapulohumeral muscular dystrophy 2. Last evaluated: 2026-02-02. Review status: criteria provided, single submitter. Criteria: Invitae Variant Classification Sherloc (09022015). Collection method: clinical testing. Allele origin: germline.

PreventionGenetics, part of Exact Sciences
Classification: Benign for SMCHD1-related condition. Last evaluated: 2026-01-07. Review status: criteria provided, single submitter. Criteria: ACMG Guidelines, 2015. Collection method: clinical testing. Allele origin: germline.
Comment: This variant is classified as benign based on ACMG/AMP sequence variant interpretation guidelines (Richards et al. 2015 PMID: 25741868, with internal and published modifications).

Blueprint Genetics
Classification: Likely benign. Last evaluated: 2024-11-28. Review status: criteria provided, single submitter. Criteria: ACMG Guidelines, 2015. Collection method: clinical testing. Allele origin: germline.

GeneDx
Classification: Likely benign. Last evaluated: 2021-10-29. Review status: criteria provided, single submitter. Criteria: GeneDx Variant Classification Process June 2021. Collection method: clinical testing. Allele origin: germline. Affected: yes.
Comment: See Variant Classification Assertion Criteria.

Eurofins Ntd Llc (ga)
Classification: Benign. Last evaluated: 2016-01-12. Review status: criteria provided, single submitter. Criteria: EGL Classification Definitions 2015. Collection method: clinical testing. Allele origin: germline. Observed: 4 variant alleles, 4 heterozygotes.